The following is an entry in ClinVar:

NM_000537.4(REN):c.1187G>A (p.Arg396His)

Gene: REN (renin; minus strand). Cytogenetic location: 1q32.1.
Variant type: single nucleotide variant.
Coding change: c.1187G>A on transcript NM_000537.4 (MANE Select); coding-DNA position 1187, G replaced by A.
Protein change: p.Arg396His; replaces arginine 396 with histidine.
Molecular consequence: missense variant.
Genome position (GRCh38, 1-based): chr1:204,155,050, C>T on the plus strand (G>A on the coding strand, the complement: REN is on the minus strand). VCF-style: chr1-204155050-C-T. GRCh37 (hg19) VCF-style: chr1-204124178-C-T.
Other names: short protein forms R396H.
Identifiers: ClinVar variation 2393474 (VCV002393474.5), dbSNP rs769746703, ClinGen allele CA1344635.

ClinVar aggregate classification (germline): Conflicting classifications of pathogenicity. Review status: criteria provided, conflicting classifications (1 of 4 stars). 2 submissions from 2 submitters: Uncertain significance (1); Likely benign (1). Last evaluated 2023-01-27.

Conditions:
Inborn genetic diseases. Identifiers: MedGen C0950123, MeSH D030342.

Allele frequency attached by ClinVar (database versions not stated): gnomAD 0.00001; TOPMed 0.00003; 1000 Genomes Project 30x 0.00016.
gnomAD v4.1: 43 of 1,614,210 alleles (0.0027%); highest among the groups gnomAD compares: Non-Finnish European, 0.0028%; no homozygotes.

Submissions (2):

Labcorp Genetics (formerly Invitae), Labcorp
Classification: Uncertain significance. Last evaluated: 2023-01-27. Review status: criteria provided, single submitter. Criteria: Invitae Variant Classification Sherloc (09022015). Collection method: clinical testing. Allele origin: germline.
Comment: This sequence change replaces arginine, which is basic and polar, with histidine, which is basic and polar, at codon 396 of the REN protein (p.Arg396His). This variant is present in population databases (rs769746703, gnomAD 0.02%). This variant has not been reported in the literature in individuals affected with REN-related conditions. Advanced modeling of protein sequence and biophysical properties (such as structural, functional, and spatial information, amino acid conservation, physicochemical variation, residue mobility, and thermodynamic stability) performed at Invitae indicates that this missense variant is not expected to disrupt REN protein function. In summary, the available evidence is currently insufficient to determine the role of this variant in disease. Therefore, it has been classified as a Variant of Uncertain Significance.

Ambry Genetics
Classification: Likely benign for Inborn genetic diseases. Last evaluated: 2022-12-21. Review status: criteria provided, single submitter. Criteria: Ambry Variant Classification Scheme 2023. Collection method: clinical testing. Allele origin: germline.